The following is an entry in ClinVar:

ClinVar aggregate classification (germline): Benign. Review status: criteria provided, multiple submitters, no conflicts (2 of 4 stars). 15 submissions from 13 submitters: Benign (13). 2 of the submissions do not count toward it. Last evaluated 2026-02-04.

Conditions:
Ullrich congenital muscular dystrophy 1A. Also called: Intermediate COL6-RD; Ullrich congenital muscular dystrophy 1. Identifiers: Orphanet 75840, MedGen C0410179, MONDO:0009681, OMIM 254090.
Myosclerosis. Also called: MYOPATHY, MYOSCLEROTIC; MYOSCLEROSIS, CONGENITAL, OF LOWENTHAL; Myosclerosis, congenital. Identifiers: Orphanet 289380, MedGen C1850671, MONDO:0009714, OMIM 255600.
Collagen 6-related myopathy. Identifiers: MedGen CN117976, MONDO:0100225.
Bethlem myopathy 1A. Also called: Bethlem Muscular Dystrophy; MYOPATHY, BENIGN CONGENITAL, WITH CONTRACTURES; Bethlem myopathy 1. Identifiers: Orphanet 610, MedGen CN029274, MONDO:0024530, OMIM 158810.

Allele frequency attached by ClinVar (database versions not stated): ESP Exome Variant Server 0.29156; 1000 Genomes Project 30x 0.31480; 1000 Genomes Project 0.32208; TOPMed 0.32420; gnomAD 0.32526 and 0.32797; gnomAD exomes 0.36965 and 0.38923; ExAC 0.37481.
gnomAD v4.1: 589,541 of 1,612,720 alleles (37%); highest among the groups gnomAD compares: Admixed American, 56%; 112,538 homozygotes.

Submissions (15):

Labcorp Genetics (formerly Invitae), Labcorp
Classification: Benign for Bethlem myopathy 1A. Last evaluated: 2026-02-04. Review status: criteria provided, single submitter. Criteria: Invitae Variant Classification Sherloc (09022015). Collection method: clinical testing. Allele origin: germline.

Blueprint Genetics
Classification: Benign. Last evaluated: 2024-11-28. Review status: criteria provided, single submitter. Criteria: ACMG Guidelines, 2015. Collection method: clinical testing. Allele origin: germline.

Genome-Nilou Lab
Classification: Benign for Myosclerosis. Last evaluated: 2021-07-30. Review status: criteria provided, single submitter. Criteria: ACMG Guidelines, 2015. Collection method: clinical testing. Allele origin: germline. Affected: no.

Genome-Nilou Lab
Classification: Benign for Bethlem myopathy 1A. Last evaluated: 2021-07-30. Review status: criteria provided, single submitter. Criteria: ACMG Guidelines, 2015. Collection method: clinical testing. Allele origin: germline. Affected: no.

Genome-Nilou Lab
Classification: Benign for Ullrich congenital muscular dystrophy 1A. Last evaluated: 2021-07-30. Review status: criteria provided, single submitter. Criteria: ACMG Guidelines, 2015. Collection method: clinical testing. Allele origin: germline. Affected: no.

Eurofins Ntd Llc (ga)
Classification: Benign. Last evaluated: 2018-06-28. Review status: criteria provided, single submitter. Criteria: EGL ClinVar v180209 classification definitions. Collection method: clinical testing. Allele origin: germline. Observed: 66 variant alleles, 46 heterozygotes, 20 homozygotes.

Illumina Laboratory Services, Illumina
Classification: Benign for Collagen VI-related myopathy. Last evaluated: 2018-01-12. Review status: criteria provided, single submitter. Criteria: ICSL Variant Classification Criteria 13 December 2019. Collection method: clinical testing. Allele origin: germline.
Comment: This variant was observed in the ICSL laboratory as part of a predisposition screen in an ostensibly healthy population. It had not been previously curated by ICSL or reported in the Human Gene Mutation Database (HGMD: prior to June 1st, 2018), and was therefore a candidate for classification through an automated scoring system. Utilizing variant allele frequency, disease prevalence and penetrance estimates, and inheritance mode, an automated score was calculated to assess if this variant is too frequent to cause the disease. Based on the score and internal cut-off values, a variant classified as benign is not then subjected to further curation. The score for this variant resulted in a classification of benign for this disease.

Athena Diagnostics
Classification: Benign. Last evaluated: 2017-09-13. Review status: criteria provided, single submitter. Criteria: Athena Diagnostics Criteria. Collection method: clinical testing. Allele origin: germline.

Mayo Clinic Laboratories, Mayo Clinic
Classification: Benign. Last evaluated: 2017-07-19. Review status: criteria provided, single submitter. Criteria: ACMG Guidelines, 2015. Collection method: clinical testing. Allele origin: germline. Observed: 436 variant alleles.

GeneDx
Classification: Benign. Last evaluated: 2017-01-16. Review status: criteria provided, single submitter. Criteria: GeneDx Variant Classification (06012015). Collection method: clinical testing. Allele origin: germline. Affected: yes.
Comment: This variant is considered likely benign or benign based on one or more of the following criteria: it is a conservative change, it occurs at a poorly conserved position in the protein, it is predicted to be benign by multiple in silico algorithms, and/or has population frequency not consistent with disease.

Genetic Services Laboratory, University of Chicago
Classification: Benign for AllHighlyPenetrant. Last evaluated: 2013-08-15. Review status: criteria provided, single submitter. Criteria: ACMG Guidelines, 2007. Collection method: clinical testing. Allele origin: germline.

Breakthrough Genomics
Classification: Benign. Review status: criteria provided, single submitter. Criteria: ACMG Guidelines, 2015. Collection method: not provided. Allele origin: germline. Inheritance: Autosomal recessive inheritance. Affected: yes.

PreventionGenetics, part of Exact Sciences
Classification: Benign. Review status: criteria provided, single submitter. Criteria: ACMG Guidelines, 2015. Collection method: clinical testing. Allele origin: germline.

Clinical Genetics, Academic Medical Center
Classification: Benign. Review status: no assertion criteria provided. Collection method: clinical testing. Allele origin: germline. Affected: yes. Study: VKGL Data-share Consensus. Not counted in ClinVar's aggregate classification.

Joint Genome Diagnostic Labs from Nijmegen and Maastricht, Radboudumc and MUMC+
Classification: Benign. Review status: no assertion criteria provided. Collection method: clinical testing. Allele origin: germline. Affected: yes. Study: VKGL Data-share Consensus. Not counted in ClinVar's aggregate classification.

NM_001849.4(COL6A2):c.2184G>A (p.Val728=)

Gene: COL6A2 (collagen type VI alpha 2 chain; plus strand). Cytogenetic location: 21q22.3.
Variant type: single nucleotide variant.
Coding change: c.2184G>A on transcript NM_001849.4 (MANE Select); coding-DNA position 2184, G replaced by A.
Protein change: p.Val728=; no amino-acid change (valine 728 retained).
Molecular consequence: synonymous variant.
Genome position (GRCh38, 1-based): chr21:46,125,999, G>A. VCF-style: chr21-46125999-G-A. GRCh37 (hg19) VCF-style: chr21-47545913-G-A.
Other names: p.Val728=; c.2184G>A, p.Val728= (NM_058174.3, NM_058175.3).
Identifiers: ClinVar variation 93936 (VCV000093936.32), dbSNP rs2839114, ClinGen allele CA147471.